The following is an entry in ClinVar:

NM_001385641.1(SAMD11):c.796C>T (p.His266Tyr)

Gene: SAMD11 (sterile alpha motif domain containing 11; plus strand). Cytogenetic location: 1p36.33.
Variant type: single nucleotide variant.
Coding change: c.796C>T on transcript NM_001385641.1 (MANE Select); coding-DNA position 796, C replaced by T.
Protein change: p.His266Tyr; replaces histidine 266 with tyrosine.
Molecular consequence: missense variant.
Genome position (GRCh38, 1-based): chr1:931,043, C>T. VCF-style: chr1-931043-C-T. GRCh37 (hg19) VCF-style: chr1-866423-C-T.
Other names: c.796C>T, p.His266Tyr (NM_001385640.1); c.259C>T, p.His87Tyr (NM_152486.4); short protein forms H266Y, H87Y.
Identifiers: ClinVar variation 2047272 (VCV002047272.1), dbSNP rs2522628832, ClinGen allele CA337793295.
Genomic context (GRCh38, chr1:931,043, plus strand): 5'-AGGCTGGGGTCAGGGGCCTCCAGAGCAACATGGACCTTCTGCTTCCCTTCCTGCAGAGTC[C>T]ACACCCACTGGGACGTGAACATCTCTTTCCGAGAGGCGTCCTGCAGGTAGGAGCCGTGCT-3'
Protein context (NP_001372570.1, residues 256-276): PHIRIMKRRV[His266Tyr]THWDVNISFR

ClinVar aggregate classification (germline): Uncertain significance (1 of 4 stars; one submission).

Allele frequency attached by ClinVar (database versions not stated): gnomAD exomes below 0.00001.
gnomAD v4.1: 1 of 1,612,962 alleles (0.000062%); highest among the groups gnomAD compares: Non-Finnish European, 0.000085%; no homozygotes.

Submission:

Labcorp Genetics (formerly Invitae), Labcorp
Classification: Uncertain significance. Last evaluated: 2022-07-31. Review status: criteria provided, single submitter. Criteria: Invitae Variant Classification Sherloc (09022015). Collection method: clinical testing. Allele origin: germline.
Comment: This sequence change replaces histidine, which is basic and polar, with tyrosine, which is neutral and polar, at codon 87 of the SAMD11 protein (p.His87Tyr). This variant is not present in population databases (gnomAD no frequency). This variant has not been reported in the literature in individuals affected with SAMD11-related conditions. Algorithms developed to predict the effect of missense changes on protein structure and function are either unavailable or do not agree on the potential impact of this missense change (SIFT: "Deleterious"; PolyPhen-2: "Benign"; Align-GVGD: "Class C0"). In summary, the available evidence is currently insufficient to determine the role of this variant in disease. Therefore, it has been classified as a Variant of Uncertain Significance.